The following is an entry in ClinVar:

ClinVar aggregate classification (germline): Benign/Likely benign. Review status: criteria provided, multiple submitters, no conflicts (2 of 4 stars). 3 submissions from 3 submitters: Benign (1); Likely benign (2). Last evaluated 2025-03-10.

Conditions:
Cornelia de Lange syndrome 1 (CDLS1). Also called: Brachmann de Lange syndrome; TYPUS DEGENERATIVUS AMSTELODAMENSIS; NIPBL-Related Cornelia de Lange Syndrome. Identifiers: Orphanet 199, MedGen C4551851, MONDO:0007387, OMIM 122470.

Submissions (3):

Athena Diagnostics
Classification: Benign. Last evaluated: 2025-03-10. Review status: criteria provided, single submitter. Criteria: Athena Diagnostics Criteria. Collection method: clinical testing. Allele origin: unknown.
Comment: The frequency of this variant in the general population is higher than would generally be expected for pathogenic variants in this gene.

Blueprint Genetics
Classification: Likely benign. Last evaluated: 2021-06-21. Review status: criteria provided, single submitter. Criteria: ACMG Guidelines, 2015. Collection method: clinical testing. Allele origin: germline.

Labcorp Genetics (formerly Invitae), Labcorp
Classification: Likely benign for Cornelia de Lange syndrome 1. Last evaluated: 2019-04-24. Review status: criteria provided, single submitter. Criteria: Invitae Variant Classification Sherloc (09022015). Collection method: clinical testing. Allele origin: germline.

NM_133433.4(NIPBL):c.5863-19_5863-2del

Gene: NIPBL (NIPBL cohesin loading factor; plus strand). Cytogenetic location: 5p13.2.
Variant type: Deletion.
Coding change: c.5863-19_5863-2del on transcript NM_133433.4 (MANE Select); 19 bases into the intron before coding-DNA position 5863 through the canonical splice acceptor site of the intron before coding-DNA position 5863, 18 bases deleted (TATATATATGTATATATA).
Molecular consequence: splice acceptor variant.
Genome position (GRCh38, 1-based): chr5:37,036,360-37,036,377, TATATATATGTATATATA deleted; deleting any 18 consecutive bases within chr5:37,036,352-37,036,377 gives the same sequence; the c. name uses the placement nearest the transcript's 3' end. VCF-style (leftmost placement, unchanged base first): chr5-37036351-ATATATATATATATATATG-A. GRCh37 (hg19) VCF-style: chr5-37036453-ATATATATATATATATATG-A.
Other names: c.5863-19_5863-2del (NM_015384.5).
Identifiers: ClinVar variation 703161 (VCV000703161.13), dbSNP rs753611931, ClinGen allele CA3236892.